The following is an entry in ClinVar:

NM_001040108.2(MLH3):c.4217T>C (p.Ile1406Thr)

Gene: MLH3 (mutL homolog 3; minus strand). Cytogenetic location: 14q24.3.
Variant type: single nucleotide variant.
Coding change: c.4217T>C on transcript NM_001040108.2 (MANE Select); coding-DNA position 4217, T replaced by C.
Protein change: p.Ile1406Thr; replaces isoleucine 1406 with threonine.
Molecular consequence: missense variant.
Genome position (GRCh38, 1-based): chr14:75,018,854, A>G on the plus strand (T>C on the coding strand, the complement: MLH3 is on the minus strand). VCF-style: chr14-75018854-A-G. GRCh37 (hg19) VCF-style: chr14-75485557-A-G.
Other names: c.4145T>C, p.Ile1382Thr (NM_014381.3); short protein forms I1382T, I1406T.
Identifiers: ClinVar variation 1738788 (VCV001738788.2), dbSNP rs2503043767, ClinGen allele CA390418732.

ClinVar aggregate classification (germline): Uncertain significance (1 of 4 stars; one submission).

gnomAD v4.1: 1 of 1,614,198 alleles (0.000062%); highest among the groups gnomAD compares: East Asian, 0.0022%; no homozygotes.

Submission:

Ambry Genetics
Classification: Uncertain significance. Last evaluated: 2024-02-06. Review status: criteria provided, single submitter. Criteria: Ambry Variant Classification Scheme 2023. Collection method: clinical testing. Allele origin: germline.
Comment: The p.I1406T variant (also known as c.4217T>C), located in coding exon 11 of the MLH3 gene, results from a T to C substitution at nucleotide position 4217. The isoleucine at codon 1406 is replaced by threonine, an amino acid with similar properties. This amino acid position is conserved. In addition, this alteration is predicted to be tolerated by in silico analysis. Since supporting evidence is limited at this time, the clinical significance of this alteration remains unclear.